The following is an entry in ClinVar:

NM_001197104.2(KMT2A):c.603A>T (p.Lys201Asn)

Gene: KMT2A (lysine methyltransferase 2A; plus strand). Cytogenetic location: 11q23.3.
Variant type: single nucleotide variant.
Coding change: c.603A>T on transcript NM_001197104.2 (MANE Select); coding-DNA position 603, A replaced by T.
Protein change: p.Lys201Asn; replaces lysine 201 with asparagine.
Molecular consequence: missense variant.
Genome position (GRCh38, 1-based): chr11:118,471,762, A>T. VCF-style: chr11-118471762-A-T. GRCh37 (hg19) VCF-style: chr11-118342477-A-T.
Other names: c.702A>T, p.Lys234Asn (NM_001412597.1); c.603A>T, p.Lys201Asn (NM_005933.4); short protein forms K201N, K234N.
Identifiers: ClinVar variation 4800514 (VCV004800514.1).

ClinVar aggregate classification (germline): Uncertain significance (1 of 4 stars; one submission).

gnomAD v4.1: 1 of 1,613,706 alleles (0.000062%); highest among the groups gnomAD compares: Non-Finnish European, 0.000085%; no homozygotes.

Submission:

Labcorp Genetics (formerly Invitae), Labcorp
Classification: Uncertain significance. Last evaluated: 2025-03-30. Review status: criteria provided, single submitter. Criteria: Invitae Variant Classification Sherloc (09022015). Collection method: clinical testing. Allele origin: germline.
Comment: This sequence change replaces lysine, which is basic and polar, with asparagine, which is neutral and polar, at codon 201 of the KMT2A protein (p.Lys201Asn). This variant is not present in population databases (gnomAD no frequency). This variant has not been reported in the literature in individuals affected with KMT2A-related conditions. Invitae Evidence Modeling of protein sequence and biophysical properties (such as structural, functional, and spatial information, amino acid conservation, physicochemical variation, residue mobility, and thermodynamic stability) has been performed for this missense variant. However, the output from this modeling did not meet the statistical confidence thresholds required to predict the impact of this variant on KMT2A protein function. In summary, the available evidence is currently insufficient to determine the role of this variant in disease. Therefore, it has been classified as a Variant of Uncertain Significance.